The following is an entry in ClinVar:

NM_001077350.3(NPRL3):c.1180GTG[1] (p.Val395del)

Genes: HBA-LCR (alpha-globin locus control region; plus strand), NPRL3 (NPR3 like, GATOR1 complex subunit; minus strand). Cytogenetic location: 16p13.3.
Variant type: Microsatellite.
Coding change: c.1180GTG[1] on transcript NM_001077350.3 (MANE Select); one copy of the 3-base unit GTG starting at c.1180; the reference has two copies in a row; one copy, 3 bases deleted; also written c.1183_1185del.
Protein change: p.Val395del; deletes valine 395.
Molecular consequence: inframe deletion.
Genome position (GRCh38, 1-based): chr16:89,879-89,881, CAC deleted on the plus strand (GTG on the coding strand, the reverse complement: NPRL3 is on the minus strand); deleting any 3 consecutive bases within chr16:89,879-89,886 gives the same sequence; the position shown is the placement nearest the transcript's 3' end. VCF-style (leftmost placement, unchanged base first): chr16-89878-ACAC-A. GRCh37 (hg19) VCF-style: chr16-139876-ACAC-A.
Other names: c.643GTG[1], p.Val216del (NM_001039476.3); c.946GTG[1], p.Val317del (NM_001243247.2); c.1105GTG[1], p.Val370del (NM_001243248.2, NM_001243249.2); c.1183_1185del (NM_001077350.3); short protein forms V370del, V395del, V317del, V216del.
Identifiers: ClinVar variation 842666 (VCV000842666.11), dbSNP rs992225807, ClinGen allele CA276458683.
Genomic context (GRCh38, chr16:89,878, plus strand): 5'-GTGAGGCCATCAGGCAGACATAGGTGTGCAGCTGGATGAGAAGCCGGCGCTGCAGCATCC[ACAC>A]CACCATCTGGATGAGCTGGGTCTGCGGGTGGCAGCAGGTGAGGCTGGTCCCCCTCCCCAC-3'

ClinVar aggregate classification (germline): Uncertain significance. Review status: criteria provided, multiple submitters, no conflicts (2 of 4 stars). 2 submissions from 2 submitters: Uncertain significance (2). Last evaluated 2025-11-24.

Conditions:
Epilepsy, familial focal, with variable foci 3 (FFEVF3). Identifiers: MedGen C4310708, MONDO:0014925, OMIM 617118.

Submissions (2):

Labcorp Genetics (formerly Invitae), Labcorp
Classification: Uncertain significance for Epilepsy, familial focal, with variable foci 3. Last evaluated: 2025-11-24. Review status: criteria provided, single submitter. Criteria: Invitae Variant Classification Sherloc (09022015). Collection method: clinical testing. Allele origin: germline.
Comment: This variant, c.1183_1185del, results in the deletion of 1 amino acid(s) of the NPRL3 protein (p.Val395del), but otherwise preserves the integrity of the reading frame. This variant is not present in population databases (gnomAD no frequency). This variant has not been reported in the literature in individuals affected with NPRL3-related conditions. ClinVar contains an entry for this variant (Variation ID: 842666). Experimental studies and prediction algorithms are not available or were not evaluated, and the functional significance of this variant is currently unknown. In summary, the available evidence is currently insufficient to determine the role of this variant in disease. Therefore, it has been classified as a Variant of Uncertain Significance.

Revvity Omics, Revvity
Classification: Uncertain significance for Epilepsy, familial focal, with variable foci 3. Last evaluated: 2021-05-27. Review status: criteria provided, single submitter. Criteria: ACMG Guidelines, 2015. Collection method: clinical testing. Allele origin: germline.